The following is an entry in ClinVar:

ClinVar aggregate classification (germline): Uncertain significance. Review status: criteria provided, single submitter (1 of 4 stars). 2 submissions from 1 submitter: Uncertain significance (2). Last evaluated 2022-08-06.

Conditions:
Joubert syndrome. Also called: CEREBELLOPARENCHYMAL DISORDER IV; JOUBERT-BOLTSHAUSER SYNDROME; Familial aplasia of the vermis. Identifiers: Orphanet 475, MedGen C5979921, MONDO:0018772.
Meckel-Gruber syndrome. Also called: DYSENCEPHALIA SPLANCHNOCYSTICA; GRUBER SYNDROME; Dysencephalia splachnocystica. Identifiers: Orphanet 564, MedGen C0265215, MONDO:0018921.
Immunodeficiency, common variable, 2 (CVID2). Also called: ANTIBODY DEFICIENCY DUE TO TACI DEFECT; HYPOGAMMAGLOBULINEMIA DUE TO TACI DEFICIENCY. Identifiers: Orphanet 1572, MedGen C3150354, MONDO:0009413, OMIM 240500.

Submissions (2):

Labcorp Genetics (formerly Invitae), Labcorp
Classification: Uncertain significance for Immunodeficiency, common variable, 2. Last evaluated: 2022-08-06. Review status: criteria provided, single submitter. Criteria: Invitae Variant Classification Sherloc (09022015). Collection method: clinical testing. Allele origin: germline.
Comment: A copy number gain of the genomic region encompassing the full coding sequence of the TNFRSF13B gene has been identified. The boundaries of this event are unknown as they extend beyond the assayed region for this gene and therefore may encompass additional genes. As the precise location of this event is unknown, it may be in tandem or it may be located elsewhere in the genome. This variant has not been reported in the literature in individuals affected with TNFRSF13B-related conditions. In summary, the available evidence is currently insufficient to determine the role of this variant in disease. Therefore, it has been classified as a Variant of Uncertain Significance.

Labcorp Genetics (formerly Invitae), Labcorp
Classification: Uncertain significance for Joubert syndrome; Meckel-Gruber syndrome. Last evaluated: 2022-04-23. Review status: criteria provided, single submitter. Criteria: Invitae Variant Classification Sherloc (09022015). Collection method: clinical testing. Allele origin: germline.
Comment: A copy number gain of the genomic region encompassing the full coding sequence of the B9D1 gene has been identified. The boundaries of this event are unknown as they extend beyond the assayed region for this gene and therefore may encompass additional genes. As the precise location of this event is unknown, it may be in tandem or it may be located elsewhere in the genome. This variant has not been reported in the literature in individuals affected with B9D1-related conditions. In summary, the available evidence is currently insufficient to determine the role of this variant in disease. Therefore, it has been classified as a Variant of Uncertain Significance.

NC_000017.10:g.(?_16842861)_(19578885_?)dup

Genes: EVPLL (envoplakin like; plus strand), FBXW10 (F-box and WD repeat domain containing 10; plus strand), FLCN (folliculin; minus strand), FLII (FLII actin remodeling protein; minus strand), GID4 (GID complex subunit 4 homolog; plus strand) and 39 more. Cytogenetic location: 17p11.2.
Variant type: Duplication.
Identifiers: ClinVar variation 2425820 (VCV002425820.6).